The following is an entry in ClinVar:

ClinVar aggregate classification (germline): Uncertain significance. Review status: criteria provided, multiple submitters, no conflicts (2 of 4 stars). 2 submissions from 2 submitters: Uncertain significance (2). Last evaluated 2025-12-09.

Conditions:
Brugada syndrome. Also called: Sudden unexpected nocturnal death syndrome; Sudden unexplained nocturnal death syndrome; Sudden Unexplained Death Syndrome; Sudden Unexplained Nocturnal Death Syndrome (SUNDS). Identifiers: Orphanet 130, MedGen C1142166, MONDO:0015263.

Allele frequency attached by ClinVar (database versions not stated): ExAC 0.00002; gnomAD 0.00002; TOPMed 0.00002; gnomAD exomes 0.00004; ESP Exome Variant Server 0.00008.
gnomAD v4.1: 49 of 1,358,354 alleles (0.0036%); highest among the groups gnomAD compares: Non-Finnish European, 0.0048%; no homozygotes.

Submissions (2):

Labcorp Genetics (formerly Invitae), Labcorp
Classification: Uncertain significance for Brugada syndrome. Last evaluated: 2025-12-09. Review status: criteria provided, single submitter. Criteria: Invitae Variant Classification Sherloc (09022015). Collection method: clinical testing. Allele origin: germline.
Comment: This sequence change replaces asparagine, which is neutral and polar, with aspartic acid, which is acidic and polar, at codon 679 of the SLMAP protein (p.Asn679Asp). This variant is present in population databases (rs141617477, gnomAD 0.002%). This variant has not been reported in the literature in individuals affected with SLMAP-related conditions. ClinVar contains an entry for this variant (Variation ID: 1784804). An algorithm developed to predict the effect of missense changes on protein structure and function (PolyPhen-2) suggests that this variant is likely to be tolerated. Algorithms developed to predict the effect of sequence changes on RNA splicing suggest that this variant may disrupt the consensus splice site. In summary, the available evidence is currently insufficient to determine the role of this variant in disease. Therefore, it has been classified as a Variant of Uncertain Significance.

Ambry Genetics
Classification: Uncertain significance. Last evaluated: 2021-10-29. Review status: criteria provided, single submitter. Criteria: Ambry Variant Classification Scheme 2023. Collection method: clinical testing. Allele origin: germline.
Comment: The p.N679D variant (also known as c.2035A>G), located in coding exon 18 of the SLMAP gene, results from an A to G substitution at nucleotide position 2035. The asparagine at codon 679 is replaced by aspartic acid, an amino acid with highly similar properties. This amino acid position is conserved. In addition, this alteration is predicted to be tolerated by in silico analysis. Since supporting evidence is limited at this time, the clinical significance of this alteration remains unclear.

NM_001377540.1(SLMAP):c.2137A>G (p.Asn713Asp)

Gene: SLMAP (sarcolemma associated protein; plus strand). Cytogenetic location: 3p14.3.
Variant type: single nucleotide variant.
Coding change: c.2137A>G on transcript NM_001377540.1 (MANE Select); coding-DNA position 2137, A replaced by G.
Protein change: p.Asn713Asp; replaces asparagine 713 with aspartic acid.
Molecular consequence: missense variant. On other transcripts: non-coding transcript variant (1).
Genome position (GRCh38, 1-based): chr3:57,913,274, A>G. VCF-style: chr3-57913274-A-G. GRCh37 (hg19) VCF-style: chr3-57899001-A-G.
Other names: c.2086A>G, p.Asn696Asp (NM_001304420.3, NM_001377541.1, NM_001377542.1); c.1972A>G, p.Asn658Asp (NM_001304421.2, NM_001377557.1, NM_001377559.1); c.688A>G, p.Asn230Asp (NM_001304422.3, NM_001311178.2); c.490A>G, p.Asn164Asp (NM_001304423.3); c.565A>G, p.Asn189Asp (NM_001311179.2, NM_001377926.1, NM_001377927.1); c.2158A>G, p.Asn720Asp (NM_001377538.1); c.2137A>G, p.Asn713Asp (NM_001377539.1); c.2074A>G, p.Asn692Asp (NM_001377545.1); and 9 more; short protein forms N189D, N617D, N679D, N692D, K189E, N634D, N658D, N672D.
Identifiers: ClinVar variation 1784804 (VCV001784804.7), dbSNP rs141617477, ClinGen allele CA2467296.